The following is an entry in ClinVar:

ClinVar aggregate classification (germline): Pathogenic/Likely pathogenic. Review status: criteria provided, multiple submitters, no conflicts (2 of 4 stars). 3 submissions from 3 submitters: Pathogenic (1); Likely pathogenic (1). 1 of the submissions does not count toward it. Last evaluated 2025-05-14.

Conditions:
Parkinsonian-pyramidal syndrome. Also called: PARKINSON DISEASE 15, AUTOSOMAL RECESSIVE; PALLIDOPYRAMIDAL SYNDROME; PARKINSON DISEASE 15, AUTOSOMAL RECESSIVE EARLY-ONSET. Identifiers: Orphanet 171695, MedGen C1850100, MONDO:0009830, OMIM 260300.

Allele frequency attached by ClinVar (database versions not stated): gnomAD exomes below 0.00001; TOPMed below 0.00001.
gnomAD v4.1: 7 of 1,546,034 alleles (0.00045%); highest among the groups gnomAD compares: Non-Finnish European, 0.00052%; no homozygotes.

Submissions (3):

Women's Health and Genetics/Laboratory Corporation of America, LabCorp
Classification: Likely pathogenic for Parkinsonian-pyramidal syndrome. Last evaluated: 2025-05-14. Review status: criteria provided, single submitter. Criteria: LabCorp Variant Classification Summary - May 2015. Collection method: clinical testing. Allele origin: germline.
Comment: Variant summary: FBXO7 c.65C>T (p.Thr22Met) results in a non-conservative amino acid change in the encoded protein sequence. Algorithms developed to predict the effect of missense changes on protein structure and function are either unavailable or do not agree on the potential impact of this missense change. The frequency data for this variant in gnomAD is considered unreliable, as metrics indicate poor data quality at this position. c.65C>T has been observed in individual(s) affected with Parkinsonian-Pyramidal Syndrome (example: DiFonzo_2009). These data indicate that the variant may be associated with disease. Multiple studies have shown that this missense change affects FBXO7 function (Xhao_2011, Burchell_2014). The following publications have been ascertained in the context of this evaluation (PMID: 23933751, 19038853, 21347293). ClinVar contains an entry for this variant (Variation ID: 4811). Based on the evidence outlined above, the variant was classified as likely pathogenic.

Labcorp Genetics (formerly Invitae), Labcorp
Classification: Pathogenic for Parkinsonian-pyramidal syndrome. Last evaluated: 2024-09-30. Review status: criteria provided, single submitter. Criteria: Invitae Variant Classification Sherloc (09022015). Collection method: clinical testing. Allele origin: germline.
Comment: This sequence change replaces threonine, which is neutral and polar, with methionine, which is neutral and non-polar, at codon 22 of the FBXO7 protein (p.Thr22Met). This variant is not present in population databases (gnomAD no frequency). This missense change has been observed in individual(s) with autosomal recessive early-onset parkinsonian-pyramidal syndrome (PMID: 19038853). In at least one individual the data is consistent with being in trans (on the opposite chromosome) from a pathogenic variant. It has also been observed to segregate with disease in related individuals. ClinVar contains an entry for this variant (Variation ID: 4811). An algorithm developed to predict the effect of missense changes on protein structure and function (PolyPhen-2) suggests that this variant is likely to be disruptive. Experimental studies have shown that this missense change affects FBXO7 function (PMID: 21347293, 23933751, 26310625, 27503909). For these reasons, this variant has been classified as Pathogenic.

OMIM
Classification: Pathogenic for PARKINSON DISEASE 15, AUTOSOMAL RECESSIVE. Last evaluated: 2009-01-20. Review status: no assertion criteria provided. Collection method: literature only. Allele origin: germline. Not counted in ClinVar's aggregate classification.

Literature cited by the submitters: PubMed 23933751 (cited by Women's Health and Genetics/Laboratory Corporation of America, LabCorp and Labcorp Genetics (formerly Invitae), Labcorp); PubMed 19038853 (cited by 3 submitters); PubMed 21347293 (cited by Women's Health and Genetics/Laboratory Corporation of America, LabCorp and Labcorp Genetics (formerly Invitae), Labcorp); PubMed 26310625 (cited by Labcorp Genetics (formerly Invitae), Labcorp); PubMed 27503909 (cited by Labcorp Genetics (formerly Invitae), Labcorp).

NM_012179.4(FBXO7):c.65C>T (p.Thr22Met)

Gene: FBXO7 (F-box protein 7; plus strand). Cytogenetic location: 22q12.3.
Variant type: single nucleotide variant.
Coding change: c.65C>T on transcript NM_012179.4 (MANE Select); coding-DNA position 65, C replaced by T.
Protein change: p.Thr22Met; replaces threonine 22 with methionine.
Molecular consequence: missense variant.
Genome position (GRCh38, 1-based): chr22:32,475,067, C>T. VCF-style: chr22-32475067-C-T. GRCh37 (hg19) VCF-style: chr22-32871054-C-T.
Other names: short protein forms T22M.
Identifiers: ClinVar variation 4811 (VCV000004811.7), dbSNP rs121918305, ClinGen allele CA253301.